The following is an entry in ClinVar:

NM_152594.3(SPRED1):c.31G>A (p.Asp11Asn)

Gene: SPRED1 (sprouty related EVH1 domain containing 1; plus strand). Cytogenetic location: 15q14.
Variant type: single nucleotide variant.
Coding change: c.31G>A on transcript NM_152594.3 (MANE Select); coding-DNA position 31, G replaced by A.
Protein change: p.Asp11Asn; replaces aspartic acid 11 with asparagine.
Molecular consequence: missense variant.
Genome position (GRCh38, 1-based): chr15:38,253,216, G>A. VCF-style: chr15-38253216-G-A. GRCh37 (hg19) VCF-style: chr15-38545417-G-A.
Other names: short protein forms D11N.
Identifiers: ClinVar variation 966373 (VCV000966373.10), dbSNP rs1445226319, ClinGen allele CA391931854.

ClinVar aggregate classification (germline): Uncertain significance (1 of 4 stars; one submission).

Conditions:
Legius syndrome. Identifiers: Orphanet 137605, MedGen C1969623, MONDO:0012669, OMIM 611431. Disease mechanism: loss of function.

Allele frequency attached by ClinVar (database versions not stated): gnomAD exomes 0.00001.
gnomAD v4.1: 3 of 1,576,922 alleles (0.00019%); highest among the groups gnomAD compares: South Asian, 0.0012%; no homozygotes.

Submission:

Labcorp Genetics (formerly Invitae), Labcorp
Classification: Uncertain significance for Legius syndrome. Last evaluated: 2019-10-15. Review status: criteria provided, single submitter. Criteria: Invitae Variant Classification Sherloc (09022015). Collection method: clinical testing. Allele origin: germline.
Comment: In summary, the available evidence is currently insufficient to determine the role of this variant in disease. Therefore, it has been classified as a Variant of Uncertain Significance. Algorithms developed to predict the effect of missense changes on protein structure and function (SIFT, PolyPhen-2, Align-GVGD) all suggest that this variant is likely to be tolerated, but these predictions have not been confirmed by published functional studies and their clinical significance is uncertain. This variant has not been reported in the literature in individuals with SPRED1-related conditions. This variant is not present in population databases (ExAC no frequency). This sequence change replaces aspartic acid with asparagine at codon 11 of the SPRED1 protein (p.Asp11Asn). The aspartic acid residue is moderately conserved and there is a small physicochemical difference between aspartic acid and asparagine.